The following is an entry in ClinVar:

ClinVar aggregate classification (germline): Likely benign (1 of 4 stars; one submission).

Allele frequency attached by ClinVar (database versions not stated): gnomAD exomes below 0.00001.
gnomAD v4.1: 1 of 1,614,224 alleles (0.000062%); highest among the groups gnomAD compares: Non-Finnish European, 0.000085%; no homozygotes.

Submission:

GeneDx
Classification: Likely benign. Last evaluated: 2018-01-03. Review status: criteria provided, single submitter. Criteria: GeneDx Variant Classification (06012015). Collection method: clinical testing. Allele origin: germline. Affected: yes.
Comment: This variant is considered likely benign or benign based on one or more of the following criteria: it is a conservative change, it occurs at a poorly conserved position in the protein, it is predicted to be benign by multiple in silico algorithms, and/or has population frequency not consistent with disease.

NM_001376.5(DYNC1H1):c.3486C>T (p.Ser1162=)

Gene: DYNC1H1 (dynein cytoplasmic 1 heavy chain 1; plus strand). Cytogenetic location: 14q32.31.
Variant type: single nucleotide variant.
Coding change: c.3486C>T on transcript NM_001376.5 (MANE Select); coding-DNA position 3486, C replaced by T.
Protein change: p.Ser1162=; no amino-acid change (serine 1162 retained).
Molecular consequence: synonymous variant.
Genome position (GRCh38, 1-based): chr14:101,995,222, C>T. VCF-style: chr14-101995222-C-T. GRCh37 (hg19) VCF-style: chr14-102461559-C-T.
Identifiers: ClinVar variation 513943 (VCV000513943.1), dbSNP rs572865552, ClinGen allele CA266987666.